The following is an entry in ClinVar:

NM_000053.4(ATP7B):c.3143T>A (p.Val1048Glu)

Gene: ATP7B (ATPase copper transporting beta; minus strand). Cytogenetic location: 13q14.3.
Variant type: single nucleotide variant.
Coding change: c.3143T>A on transcript NM_000053.4 (MANE Select); coding-DNA position 3143, T replaced by A.
Protein change: p.Val1048Glu; replaces valine 1048 with glutamic acid.
Molecular consequence: missense variant.
Genome position (GRCh38, 1-based): chr13:51,944,209, A>T on the plus strand (T>A on the coding strand, the complement: ATP7B is on the minus strand). VCF-style: chr13-51944209-A-T. GRCh37 (hg19) VCF-style: chr13-52518345-A-T.
Other names: c.2522T>A, p.Val841Glu (NM_001005918.3); c.2810T>A, p.Val937Glu (NM_001243182.2); c.2909T>A, p.Val970Glu (NM_001330578.2); c.2891T>A, p.Val964Glu (NM_001330579.2); short protein forms V937E, V964E, V970E, V841E, V1048E.
Identifiers: ClinVar variation 1391615 (VCV001391615.6), dbSNP rs1423091096, ClinGen allele CA388030178.

ClinVar aggregate classification (germline): Uncertain significance (1 of 4 stars; one submission).

Conditions:
Wilson disease (WND). Also called: Wilson's disease. Identifiers: Orphanet 905, MedGen C0019202, MONDO:0010200, OMIM 277900. Disease mechanism: loss of function.

Allele frequency attached by ClinVar (database versions not stated): gnomAD exomes below 0.00001.
gnomAD v4.1: 1 of 1,614,162 alleles (0.000062%); highest among the groups gnomAD compares: Non-Finnish European, 0.000085%; no homozygotes.

Submission:

Labcorp Genetics (formerly Invitae), Labcorp
Classification: Uncertain significance for Wilson disease. Last evaluated: 2022-01-03. Review status: criteria provided, single submitter. Criteria: Invitae Variant Classification Sherloc (09022015). Collection method: clinical testing. Allele origin: germline.
Comment: This sequence change replaces valine, which is neutral and non-polar, with glutamic acid, which is acidic and polar, at codon 1048 of the ATP7B protein (p.Val1048Glu). In summary, the available evidence is currently insufficient to determine the role of this variant in disease. Therefore, it has been classified as a Variant of Uncertain Significance. Advanced modeling of protein sequence and biophysical properties (such as structural, functional, and spatial information, amino acid conservation, physicochemical variation, residue mobility, and thermodynamic stability) performed at Invitae indicates that this missense variant is not expected to disrupt ATP7B protein function. This variant has not been reported in the literature in individuals affected with ATP7B-related conditions. This variant is present in population databases (no rsID available, gnomAD 0.0009%).